The following is an entry in ClinVar:

ClinVar aggregate classification (germline): Uncertain significance (1 of 4 stars; one submission).

Submission:

Labcorp Genetics (formerly Invitae), Labcorp
Classification: Uncertain significance. Last evaluated: 2024-08-23. Review status: criteria provided, single submitter. Criteria: Invitae Variant Classification Sherloc (09022015). Collection method: clinical testing. Allele origin: germline.
Comment: This sequence change falls in intron 7 of the KANK2 gene. It does not directly change the encoded amino acid sequence of the KANK2 protein. It affects a nucleotide within the consensus splice site. This variant is not present in population databases (gnomAD no frequency). This variant has not been reported in the literature in individuals affected with KANK2-related conditions. ClinVar contains an entry for this variant (Variation ID: 2011016). Variants that disrupt the consensus splice site are a relatively common cause of aberrant splicing (PMID: 17576681, 9536098). Algorithms developed to predict the effect of sequence changes on RNA splicing suggest that this variant is not likely to affect RNA splicing. In summary, the available evidence is currently insufficient to determine the role of this variant in disease. Therefore, it has been classified as a Variant of Uncertain Significance.

Literature cited by the submitters: PubMed 17576681; PubMed 9536098.

NM_001136191.3(KANK2):c.1761-3C>T

Gene: KANK2 (KN motif and ankyrin repeat domains 2; minus strand). Cytogenetic location: 19p13.2.
Variant type: single nucleotide variant.
Coding change: c.1761-3C>T on transcript NM_001136191.3 (MANE Select); 3 bases into the intron before coding-DNA position 1761, C replaced by T.
Molecular consequence: intron variant.
Genome position (GRCh38, 1-based): chr19:11,175,992, G>A on the plus strand (C>T on the coding strand, the complement: KANK2 is on the minus strand). VCF-style: chr19-11175992-G-A. GRCh37 (hg19) VCF-style: chr19-11286668-G-A.
Other names: c.1785-3C>T (NM_001379552.1, NM_001379553.1, NM_001379554.1 and 5 more transcripts); c.1761-3C>T (NM_001379562.1, NM_001379563.1, NM_001329451.2 and 7 more transcripts).
Identifiers: ClinVar variation 2011016 (VCV002011016.4), dbSNP rs2512638530, ClinGen allele CA2580096379.